The following is an entry in ClinVar:

ClinVar aggregate classification (germline): Uncertain significance. Review status: criteria provided, multiple submitters, no conflicts (2 of 4 stars). 3 submissions from 3 submitters: Uncertain significance (3). Last evaluated 2024-10-18.

Conditions:
Inborn genetic diseases. Identifiers: MedGen C0950123, MeSH D030342.
GGCX-related disorder. Also called: GGCX-related condition; GGCX - Related Disorders.

Allele frequency attached by ClinVar (database versions not stated): gnomAD exomes below 0.00001; TOPMed below 0.00001; gnomAD 0.00001.
gnomAD v4.1: 7 of 1,613,940 alleles (0.00043%); highest among the groups gnomAD compares: South Asian, 0.0011%; no homozygotes.

Submissions (3):

PreventionGenetics, part of Exact Sciences
Classification: Uncertain significance for GGCX-related condition. Last evaluated: 2024-10-18. Review status: criteria provided, single submitter. Criteria: ACMG Guidelines, 2015. Collection method: clinical testing. Allele origin: germline.
Comment: The GGCX c.1214C>T variant is predicted to result in the amino acid substitution p.Ser405Phe. To our knowledge, this variant has not been reported in the literature or in a large population database (gnomAD), indicating this variant is rare. At this time, the clinical significance of this variant is uncertain due to the absence of conclusive functional and genetic evidence.

Ambry Genetics
Classification: Uncertain significance for Inborn genetic diseases. Last evaluated: 2024-09-08. Review status: criteria provided, single submitter. Criteria: Ambry Variant Classification Scheme 2023. Collection method: clinical testing. Allele origin: germline.

Labcorp Genetics (formerly Invitae), Labcorp
Classification: Uncertain significance. Last evaluated: 2022-03-23. Review status: criteria provided, single submitter. Criteria: Invitae Variant Classification Sherloc (09022015). Collection method: clinical testing. Allele origin: germline.
Comment: This sequence change replaces serine, which is neutral and polar, with phenylalanine, which is neutral and non-polar, at codon 405 of the GGCX protein (p.Ser405Phe). This variant is not present in population databases (gnomAD no frequency). This variant has not been reported in the literature in individuals affected with GGCX-related conditions. Algorithms developed to predict the effect of missense changes on protein structure and function are either unavailable or do not agree on the potential impact of this missense change (SIFT: "Deleterious"; PolyPhen-2: "Probably Damaging"; Align-GVGD: "Class C15"). In summary, the available evidence is currently insufficient to determine the role of this variant in disease. Therefore, it has been classified as a Variant of Uncertain Significance.

NM_000821.7(GGCX):c.1214C>T (p.Ser405Phe)

Gene: GGCX (gamma-glutamyl carboxylase; minus strand). Cytogenetic location: 2p11.2.
Variant type: single nucleotide variant.
Coding change: c.1214C>T on transcript NM_000821.7 (MANE Select); coding-DNA position 1214, C replaced by T.
Protein change: p.Ser405Phe; replaces serine 405 with phenylalanine.
Molecular consequence: missense variant.
Genome position (GRCh38, 1-based): chr2:85,553,012, G>A on the plus strand (C>T on the coding strand, the complement: GGCX is on the minus strand). VCF-style: chr2-85553012-G-A. GRCh37 (hg19) VCF-style: chr2-85780135-G-A.
Other names: c.1214C>T (NM_000821.5, NM_000821.6); c.1043C>T, p.Ser348Phe (NM_001142269.4); short protein forms S348F, S405F.
Identifiers: ClinVar variation 1924431 (VCV001924431.4), dbSNP rs1242455251, ClinGen allele CA347486977.
Genomic context (GRCh38, chr2:85,553,012, plus strand): 5'-TAGCCCAGTTCGCCAGTGCGGCCATCACGGTAGGTGATCTTCACGTGCTGGTGGGAGCGG[G>A]AGTGCACCATCATGTCCCAGGAATAGCCATACAGCCCATTTGTCCAGTTGTTATAGCCCT-3'
Protein context (NP_000812.2, residues 395-415): YGYSWDMMVH[Ser405Phe]RSHQHVKITY